The following is an entry in ClinVar:

ClinVar aggregate classification (germline): Conflicting classifications of pathogenicity. Review status: criteria provided, conflicting classifications (1 of 4 stars). 2 submissions from 2 submitters: Likely pathogenic (1); Uncertain significance (1). Last evaluated 2023-12-20.

Conditions:
Adenylosuccinate lyase deficiency (ADSLD). Also called: ADSL DEFICIENCY. Identifiers: Orphanet 46, MedGen C0268126, MONDO:0007068, OMIM 103050.

Submissions (2):

Victorian Clinical Genetics Services, Murdoch Childrens Research Institute
Classification: Likely pathogenic for Adenylosuccinate lyase deficiency. Last evaluated: 2023-12-20. Review status: criteria provided, single submitter. Criteria: ACMG Guidelines, 2015. Collection method: clinical testing. Allele origin: germline. Inheritance: Autosomal recessive inheritance. Affected: yes.
Comment: Based on the classification scheme VCGS_Germline_v1.3.4, this variant is classified as Likely Pathogenic. Following criteria are met: 0102 - Loss of function is a known mechanism of disease in this gene and is associated with adenylosuccinase deficiency (MIM#103050). (I) 0106 - This gene is associated with autosomal recessive disease. (I) 0200 - Variant is predicted to result in a missense amino acid change from arginine to glycine. (I) 0251 - This variant is heterozygous. (I) 0301 - Variant is absent from gnomAD (both v2 and v3). (SP) 0309 - An alternative amino acid change at the same position has been observed in gnomAD (v3) (9 heterozygotes, 0 homozygotes). (I) 0501 - Missense variant consistently predicted to be damaging by multiple in silico tools or highly conserved with a major amino acid change. (SP) 0600 - Variant is located in the annotated lyase_1 domain (DECIPHER). (I) 0703 - Another missense variant comparable to the one identified in this case has moderate previous evidence for pathogenicity. This alternative change (p.(Arg190Gln)) has been reported as likely pathogenic and pathogenic, and observed in several compound heterozygous individuals with moderate intellectual disability or hypotonia, oligofrenia and psychomotor impairment (ClinVar, PMID: 10090474, PMID: 10888601). (SP) 0807 - This variant has no previous evidence of pathogenicity. (I) 0905 - No published segregation evidence has been identified for this variant. (I) 1007 - No published functional evidence has been identified for this variant. (I) 1101 - Very strong and specific phenotype match for this individual. (SP) 1201 - Heterozygous variant detected in trans with a second likely pathogenic heterozygous variant (p.(Gln439*)) in a recessive disease. (I) Legend: (SP) - Supporting pathogenic, (I) - Information, (SB) - Supporting benign

Labcorp Genetics (formerly Invitae), Labcorp
Classification: Uncertain significance for Adenylosuccinate lyase deficiency. Last evaluated: 2023-06-23. Review status: criteria provided, single submitter. Criteria: Invitae Variant Classification Sherloc (09022015). Collection method: clinical testing. Allele origin: germline.
Comment: In summary, the available evidence is currently insufficient to determine the role of this variant in disease. Therefore, it has been classified as a Variant of Uncertain Significance. This variant disrupts the p.Arg190 amino acid residue in ADSL. Other variant(s) that disrupt this residue have been determined to be pathogenic (PMID: 10090474, 10888601). This suggests that this residue is clinically significant, and that variants that disrupt this residue are likely to be disease-causing. Advanced modeling of protein sequence and biophysical properties (such as structural, functional, and spatial information, amino acid conservation, physicochemical variation, residue mobility, and thermodynamic stability) has been performed at Invitae for this missense variant, however the output from this modeling did not meet the statistical confidence thresholds required to predict the impact of this variant on ADSL protein function. This missense change has been observed in individual(s) with ADSL-related conditions (Invitae). This variant is not present in population databases (gnomAD no frequency). This sequence change replaces arginine, which is basic and polar, with glycine, which is neutral and non-polar, at codon 190 of the ADSL protein (p.Arg190Gly).

Literature cited by the submitters: PubMed 10090474 (cited by Victorian Clinical Genetics Services, Murdoch Childrens Research Institute and Labcorp Genetics (formerly Invitae), Labcorp); PubMed 10888601 (cited by Victorian Clinical Genetics Services, Murdoch Childrens Research Institute and Labcorp Genetics (formerly Invitae), Labcorp).

NM_000026.4(ADSL):c.568C>G (p.Arg190Gly)

Gene: ADSL (adenylosuccinate lyase; plus strand). Cytogenetic location: 22q13.1.
Variant type: single nucleotide variant.
Coding change: c.568C>G on transcript NM_000026.4 (MANE Select); coding-DNA position 568, C replaced by G.
Protein change: p.Arg190Gly; replaces arginine 190 with glycine.
Molecular consequence: missense variant. On other transcripts: non-coding transcript variant (1).
Genome position (GRCh38, 1-based): chr22:40,358,949, C>G. VCF-style: chr22-40358949-C-G. GRCh37 (hg19) VCF-style: chr22-40754953-C-G.
Other names: c.568C>G (NM_000026.3); c.568C>G, p.Arg190Gly (NM_001123378.3, NM_001363840.3, NM_001410812.1 and 1 more transcripts); c.376C>G, p.Arg126Gly (NM_001317923.2); c.523C>G, p.Arg175Gly (NM_001410814.1); short protein forms R126G, R190G, R175G.
Identifiers: ClinVar variation 2725586 (VCV002725586.4), dbSNP rs750614500, ClinGen allele CA411640968.
Genomic context (GRCh38, chr22:40,358,949, plus strand): 5'-AAACGTTGCTGTCTTTGGATTCAGGATCTTTGCATGGATCTCCAGAACTTGAAGCGTGTC[C>G]GAGATGACCTGCGCTTCCGGGGAGTAAAGGGTACCACTGGCACTCAGGCCAGTTTCCTGC-3'
Protein context (NP_000017.1, residues 180-200): CMDLQNLKRV[Arg190Gly]DDLRFRGVKG